The following is an entry in ClinVar:

ClinVar aggregate classification (germline): Uncertain significance (1 of 4 stars; one submission).

Conditions:
Propionic acidemia (PROP). Also called: GLYCINEMIA, KETOTIC; HYPERGLYCINEMIA WITH KETOACIDOSIS AND LEUKOPENIA; KETOTIC HYPERGLYCINEMIA. Identifiers: Orphanet 35, MedGen C0268579, MONDO:0011628, OMIM 606054, HP:0003571.

Allele frequency attached by ClinVar (database versions not stated): gnomAD 0.00003; TOPMed 0.00003.
gnomAD v4.1: 13 of 1,573,270 alleles (0.00083%); highest among the groups gnomAD compares: African/African-American, 0.0081%; no homozygotes.

Submission:

Labcorp Genetics (formerly Invitae), Labcorp
Classification: Uncertain significance for Propionic acidemia. Last evaluated: 2021-12-23. Review status: criteria provided, single submitter. Criteria: Invitae Variant Classification Sherloc (09022015). Collection method: clinical testing. Allele origin: germline.
Comment: This sequence change replaces alanine, which is neutral and non-polar, with threonine, which is neutral and polar, at codon 12 of the PCCB protein (p.Ala12Thr). The frequency data for this variant in the population databases is considered unreliable, as metrics indicate poor data quality at this position in the gnomAD database. This variant has not been reported in the literature in individuals affected with PCCB-related conditions. Advanced modeling of protein sequence and biophysical properties (such as structural, functional, and spatial information, amino acid conservation, physicochemical variation, residue mobility, and thermodynamic stability) performed at Invitae indicates that this missense variant is not expected to disrupt PCCB protein function. In summary, the available evidence is currently insufficient to determine the role of this variant in disease. Therefore, it has been classified as a Variant of Uncertain Significance.

NM_000532.5(PCCB):c.34G>A (p.Ala12Thr)

Gene: PCCB (propionyl-CoA carboxylase subunit beta; plus strand). Cytogenetic location: 3q22.3.
Variant type: single nucleotide variant.
Coding change: c.34G>A on transcript NM_000532.5 (MANE Select); coding-DNA position 34, G replaced by A.
Protein change: p.Ala12Thr; replaces alanine 12 with threonine.
Molecular consequence: missense variant.
Genome position (GRCh38, 1-based): chr3:136,250,409, G>A. VCF-style: chr3-136250409-G-A. GRCh37 (hg19) VCF-style: chr3-135969251-G-A.
Other names: c.34G>A, p.Ala12Thr (NM_001178014.2); short protein forms A12T.
Identifiers: ClinVar variation 2149864 (VCV002149864.1), dbSNP rs1230563587, ClinGen allele CA354737860.
Genomic context (GRCh38, chr3:136,250,409, plus strand): 5'-GGTAGGGGACGCGCCGGCACAGCAAAAATGGCGGCGGCATTACGGGTGGCGGCGGTCGGG[G>A]CAAGGCTCAGCGTTCTGGCGAGCGGTCTCCGCGCCGCGGTCCGCAGCCTTTGCAGCCAGG-3'
Protein context (NP_000523.2, residues 2-22): AAALRVAAVG[Ala12Thr]RLSVLASGLR